The following is an entry in ClinVar:

NM_001038.6(SCNN1A):c.*467C>A

Gene: SCNN1A (sodium channel epithelial 1 subunit alpha; minus strand). Cytogenetic location: 12p13.31.
Variant type: single nucleotide variant.
Coding change: c.*467C>A on transcript NM_001038.6 (MANE Select); 467 bases downstream of the stop codon, C replaced by A.
Molecular consequence: 3 prime UTR variant.
Genome position (GRCh38, 1-based): chr12:6,347,406, G>T on the plus strand (C>A on the coding strand, the complement: SCNN1A is on the minus strand). VCF-style: chr12-6347406-G-T. GRCh37 (hg19) VCF-style: chr12-6456572-G-T.
Other names: c.*467C>A (NM_001159575.2, NM_001159576.2).
Identifiers: ClinVar variation 883148 (VCV000883148.4), dbSNP rs140681881, ClinGen allele CA232342485.

ClinVar aggregate classification (germline): Conflicting classifications of pathogenicity. Review status: criteria provided, conflicting classifications (1 of 4 stars). 2 submissions from 1 submitter: Uncertain significance (1); Benign (1). Last evaluated 2018-01-12.

Conditions:
Bronchiectasis with or without elevated sweat chloride 2 (BESC2). Identifiers: Orphanet 60033, MedGen C2751666, MONDO:0013087, OMIM 613021.
Pseudohypoaldosteronism, type IB1, autosomal recessive. Also called: Pseudohypoaldosteronism, Type I, Recessive; Autosomal recessive pseudohypoaldosteronism type 1; Pseudohypoaldosteronism, Type I, Autosomal Recessive; PHA I, AUTOSOMAL RECESSIVE. Identifiers: Orphanet 171876, Orphanet 756, MedGen C5774176, MONDO:0009917, OMIM 264350.

Allele frequency attached by ClinVar (database versions not stated): gnomAD exomes 0.00007; gnomAD 0.00074 and 0.00081; 1000 Genomes Project 30x 0.00078; TOPMed 0.00086; 1000 Genomes Project 0.00100.
gnomAD v4.1: 116 of 166,896 alleles (0.07%); highest among the groups gnomAD compares: African/African-American, 0.25%; no homozygotes.

Submissions (2):

Illumina Laboratory Services, Illumina
Classification: Uncertain significance for Pseudohypoaldosteronism, type IB1, autosomal recessive. Last evaluated: 2018-01-12. Review status: criteria provided, single submitter. Criteria: ICSL Variant Classification Criteria 13 December 2019. Collection method: clinical testing. Allele origin: germline.

Illumina Laboratory Services, Illumina
Classification: Benign for Bronchiectasis with or without elevated sweat chloride 2. Last evaluated: 2018-01-12. Review status: criteria provided, single submitter. Criteria: ICSL Variant Classification Criteria 13 December 2019. Collection method: clinical testing. Allele origin: germline.
Comment: This variant was observed in the ICSL laboratory as part of a predisposition screen in an ostensibly healthy population. It had not been previously curated by ICSL or reported in the Human Gene Mutation Database (HGMD: prior to June 1st, 2018), and was therefore a candidate for classification through an automated scoring system. Utilizing variant allele frequency, disease prevalence and penetrance estimates, and inheritance mode, an automated score was calculated to assess if this variant is too frequent to cause the disease. Based on the score and internal cut-off values, a variant classified as benign is not then subjected to further curation. The score for this variant resulted in a classification of benign for this disease.